The following is an entry in ClinVar:

NM_003105.6(SORL1):c.346G>A (p.Val116Met)

Gene: SORL1 (sortilin related receptor 1; plus strand). Cytogenetic location: 11q24.1.
Variant type: single nucleotide variant.
Coding change: c.346G>A on transcript NM_003105.6 (MANE Select); coding-DNA position 346, G replaced by A.
Protein change: p.Val116Met; replaces valine 116 with methionine.
Molecular consequence: missense variant.
Genome position (GRCh38, 1-based): chr11:121,470,067, G>A. VCF-style: chr11-121470067-G-A. GRCh37 (hg19) VCF-style: chr11-121340776-G-A.
Other names: short protein forms V116M.
Identifiers: ClinVar variation 1407670 (VCV001407670.8), dbSNP rs564006388, ClinGen allele CA229953219.

ClinVar aggregate classification (germline): Uncertain significance (1 of 4 stars; one submission).

Allele frequency attached by ClinVar (database versions not stated): gnomAD 0.00001.
gnomAD v4.1: 32 of 1,614,194 alleles (0.002%); highest among the groups gnomAD compares: Non-Finnish European, 0.0025%; no homozygotes.

Submission:

Labcorp Genetics (formerly Invitae), Labcorp
Classification: Uncertain significance. Last evaluated: 2022-02-23. Review status: criteria provided, single submitter. Criteria: Invitae Variant Classification Sherloc (09022015). Collection method: clinical testing. Allele origin: germline.
Comment: In summary, the available evidence is currently insufficient to determine the role of this variant in disease. Therefore, it has been classified as a Variant of Uncertain Significance. Algorithms developed to predict the effect of missense changes on protein structure and function are either unavailable or do not agree on the potential impact of this missense change (SIFT: "Deleterious"; PolyPhen-2: "Probably Damaging"; Align-GVGD: "Class C0"). This variant has not been reported in the literature in individuals affected with SORL1-related conditions. This variant is present in population databases (rs564006388, gnomAD 0.002%). This sequence change replaces valine, which is neutral and non-polar, with methionine, which is neutral and non-polar, at codon 116 of the SORL1 protein (p.Val116Met).